The following is an entry in ClinVar:

ClinVar aggregate classification (germline): Uncertain significance (1 of 4 stars; one submission).

gnomAD v4.1: 19 of 1,605,672 alleles (0.0012%); highest among the groups gnomAD compares: Admixed American, 0.018%; no homozygotes.

Submission:

Labcorp Genetics (formerly Invitae), Labcorp
Classification: Uncertain significance. Last evaluated: 2022-06-14. Review status: criteria provided, single submitter. Criteria: Invitae Variant Classification Sherloc (09022015). Collection method: clinical testing. Allele origin: germline.
Comment: This sequence change falls in intron 2 of the IL2RB gene. It does not directly change the encoded amino acid sequence of the IL2RB protein. This variant is present in population databases (rs367733139, gnomAD 0.03%). This variant has not been reported in the literature in individuals affected with IL2RB-related conditions. Algorithms developed to predict the effect of sequence changes on RNA splicing suggest that this variant may create or strengthen a splice site. In summary, the available evidence is currently insufficient to determine the role of this variant in disease. Therefore, it has been classified as a Variant of Uncertain Significance.

NM_000878.5(IL2RB):c.89-5G>A

Gene: IL2RB (interleukin 2 receptor subunit beta; minus strand). Cytogenetic location: 22q12.3.
Variant type: single nucleotide variant.
Coding change: c.89-5G>A on transcript NM_000878.5 (MANE Select); 5 bases into the intron before coding-DNA position 89, G replaced by A.
Molecular consequence: intron variant.
Genome position (GRCh38, 1-based): chr22:37,143,640, C>T on the plus strand (G>A on the coding strand, the complement: IL2RB is on the minus strand). VCF-style: chr22-37143640-C-T. GRCh37 (hg19) VCF-style: chr22-37539680-C-T.
Other names: c.89-5G>A (NM_001346222.1, NM_001346223.2).
Identifiers: ClinVar variation 2192840 (VCV002192840.1), dbSNP rs367733139, ClinGen allele CA10216749.